The following is an entry in ClinVar:

ClinVar aggregate classification (germline): Uncertain significance (1 of 4 stars; one submission).

Conditions:
Hereditary cancer-predisposing syndrome. Also called: Neoplastic Syndromes, Hereditary; Tumor predisposition; Hereditary Cancer Syndrome; Hereditary neoplastic syndrome. Identifiers: Orphanet 140162, MedGen C0027672, MeSH D009386, MONDO:0015356.

gnomAD v4.1: 1 of 1,614,066 alleles (0.000062%); highest among the groups gnomAD compares: Non-Finnish European, 0.000085%; no homozygotes.

Submission:

Ambry Genetics
Classification: Uncertain significance for Hereditary cancer-predisposing syndrome. Last evaluated: 2026-01-18. Review status: criteria provided, single submitter. Criteria: Ambry Variant Classification Scheme 2023. Collection method: clinical testing. Allele origin: germline.
Comment: The p.W163R variant (also known as c.487T>C), located in coding exon 4 of the SUFU gene, results from a T to C substitution at nucleotide position 487. The tryptophan at codon 163 is replaced by arginine, an amino acid with dissimilar properties. This amino acid position is conserved. In addition, this alteration is predicted to be deleterious by in silico analysis. Based on the available evidence, the clinical significance of this variant remains unclear.

NM_016169.4(SUFU):c.487T>C (p.Trp163Arg)

Gene: SUFU (SUFU negative regulator of hedgehog signaling; plus strand). Cytogenetic location: 10q24.32.
Variant type: single nucleotide variant.
Coding change: c.487T>C on transcript NM_016169.4 (MANE Select); coding-DNA position 487, T replaced by C.
Protein change: p.Trp163Arg; replaces tryptophan 163 with arginine.
Molecular consequence: missense variant.
Genome position (GRCh38, 1-based): chr10:102,592,614, T>C. VCF-style: chr10-102592614-T-C. GRCh37 (hg19) VCF-style: chr10-104352371-T-C.
Other names: c.487T>C, p.Trp163Arg (NM_001178133.2); short protein forms W163R.
Identifiers: ClinVar variation 4824955 (VCV004824955.1).
Genomic context (GRCh38, chr10:102,592,614, plus strand): 5'-AATGAGGATCCTTGTATCTCTCCCACAGAGAACACCTTCTGCAGTGGGGACCATGTGTCC[T>C]GGCACAGCCCTTTGGATAACAGTGAGTCAAGAATTCAGCACATGCTGCTGACAGAGGACC-3'
Protein context (NP_057253.2, residues 153-173): NTFCSGDHVS[Trp163Arg]HSPLDNSESR